The following is an entry in ClinVar:

NM_182914.3(SYNE2):c.19636G>A (p.Gly6546Ser)

Gene: SYNE2 (spectrin repeat containing nuclear envelope protein 2; plus strand). Cytogenetic location: 14q23.2.
Variant type: single nucleotide variant.
Coding change: c.19636G>A on transcript NM_182914.3 (MANE Select); coding-DNA position 19636, G replaced by A.
Protein change: p.Gly6546Ser; replaces glycine 6546 with serine.
Molecular consequence: missense variant.
Genome position (GRCh38, 1-based): chr14:64,218,491, G>A. VCF-style: chr14-64218491-G-A. GRCh37 (hg19) VCF-style: chr14-64685209-G-A.
Other names: c.19567G>A, p.Gly6523Ser (NM_015180.6); c.160G>A, p.Gly54Ser (NM_182910.2); c.538G>A, p.Gly180Ser (NM_182913.4); short protein forms G6546S, G180S, G54S, G6523S.
Identifiers: ClinVar variation 287897 (VCV000287897.18), dbSNP rs199577239, ClinGen allele CA7224525.

ClinVar aggregate classification (germline): Conflicting classifications of pathogenicity. Review status: criteria provided, conflicting classifications (1 of 4 stars). 4 submissions from 4 submitters: Uncertain significance (2); Benign (1); Likely benign (1). Last evaluated 2025-09-02.

Conditions:
Emery-Dreifuss muscular dystrophy 5, autosomal dominant (EDMD5). Also called: EMERY-DREIFUSS MUSCULAR DYSTROPHY 5. Identifiers: Orphanet 261, MedGen C2751805, MONDO:0013072, OMIM 612999.

Allele frequency attached by ClinVar (database versions not stated): TOPMed 0.00004; gnomAD 0.00007 and 0.00009; ESP Exome Variant Server 0.00008; gnomAD exomes 0.00017 and 0.00025; 1000 Genomes Project 0.00020; ExAC 0.00030; 1000 Genomes Project 30x 0.00031.
gnomAD v4.1: 272 of 1,613,946 alleles (0.017%); highest among the groups gnomAD compares: South Asian, 0.1%; no homozygotes.

Submissions (4):

Labcorp Genetics (formerly Invitae), Labcorp
Classification: Likely benign for Emery-Dreifuss muscular dystrophy 5, autosomal dominant. Last evaluated: 2025-09-02. Review status: criteria provided, single submitter. Criteria: Invitae Variant Classification Sherloc (09022015). Collection method: clinical testing. Allele origin: germline.

Ambry Genetics
Classification: Uncertain significance. Last evaluated: 2024-11-13. Review status: criteria provided, single submitter. Criteria: Ambry Variant Classification Scheme 2023. Collection method: clinical testing. Allele origin: germline.

Illumina Laboratory Services, Illumina
Classification: Benign for Emery-Dreifuss muscular dystrophy 5, autosomal dominant. Last evaluated: 2018-01-13. Review status: criteria provided, single submitter. Criteria: ICSL Variant Classification Criteria 13 December 2019. Collection method: clinical testing. Allele origin: germline.
Comment: This variant was observed in the ICSL laboratory as part of a predisposition screen in an ostensibly healthy population. It had not been previously curated by ICSL or reported in the Human Gene Mutation Database (HGMD: prior to June 1st, 2018), and was therefore a candidate for classification through an automated scoring system. Utilizing variant allele frequency, disease prevalence and penetrance estimates, and inheritance mode, an automated score was calculated to assess if this variant is too frequent to cause the disease. Based on the score and internal cut-off values, a variant classified as benign is not then subjected to further curation. The score for this variant resulted in a classification of benign for this disease.

Eurofins Ntd Llc (ga)
Classification: Uncertain significance. Last evaluated: 2016-05-13. Review status: criteria provided, single submitter. Criteria: EGL Classification Definitions 2015. Collection method: clinical testing. Allele origin: germline. Observed: 1 variant allele, 1 heterozygote.